The following is an entry in ClinVar:

NM_018062.4(FANCL):c.776-10del

Gene: FANCL (FA complementation group L; minus strand). Cytogenetic location: 2p16.1.
Variant type: Deletion.
Coding change: c.776-10del on transcript NM_018062.4 (MANE Select); 10 bases into the intron before coding-DNA position 776, one base deleted (T; older notation c.776-10delT).
Molecular consequence: intron variant.
Genome position (GRCh38, 1-based): chr2:58,163,084, A deleted on the plus strand (T on the coding strand, the reverse complement: FANCL is on the minus strand); the first of 12 consecutive A bases (chr2:58,163,084-58,163,095); deleting any one gives the same sequence. VCF-style (leftmost placement, unchanged base first): chr2-58163083-TA-T. GRCh37 (hg19) VCF-style: chr2-58390218-TA-T.
Other names: c.821-10del (NM_001374615.1); c.791-10del (NM_001114636.2); c.836-10del (NM_001410792.1).
Identifiers: ClinVar variation 1169266 (VCV001169266.13), dbSNP rs374236117, ClinGen allele CA1670445.

ClinVar aggregate classification (germline): Benign/Likely benign. Review status: criteria provided, multiple submitters, no conflicts (2 of 4 stars). 4 submissions from 4 submitters: Benign (2); Likely benign (2). Last evaluated 2025-12-22.

Conditions:
Fanconi anemia (FA). Also called: Fanconi's anemia. Identifiers: Orphanet 84, MedGen C0015625, MeSH D005199, MONDO:0019391.

Submissions (4):

Labcorp Genetics (formerly Invitae), Labcorp
Classification: Benign for Fanconi anemia. Last evaluated: 2025-12-22. Review status: criteria provided, single submitter. Criteria: Invitae Variant Classification Sherloc (09022015). Collection method: clinical testing. Allele origin: germline.

Dasa
Classification: Benign. Last evaluated: 2025-12-16. Review status: criteria provided, single submitter. Criteria: DASA Assertion Criteria. Collection method: clinical testing. Allele origin: germline.
Comment: NM_018062.4(FANCL):c.776-10del is a splice-region variant. Population frequency is inconsistent with a disease-causing role for this variant, and observations in unaffected individuals support a benign interpretation. Therefore, based on the currently available evidence, this variant is classified as benign.

Blueprint Genetics
Classification: Likely benign. Last evaluated: 2024-11-26. Review status: criteria provided, single submitter. Criteria: ACMG Guidelines, 2015. Collection method: clinical testing. Allele origin: germline.

Sema4
Classification: Likely benign for Fanconi anemia. Last evaluated: 2021-04-02. Review status: criteria provided, single submitter. Criteria: Sema4 Curation Guidelines. Collection method: curation. Allele origin: germline.